The following is an entry in ClinVar:

NM_144573.4(NEXN):c.717dup (p.Glu240fs)

Gene: NEXN (nexilin F-actin binding protein; plus strand). Cytogenetic location: 1p31.1.
Variant type: Duplication.
Coding change: c.717dup on transcript NM_144573.4 (MANE Select); coding-DNA position 717, one base duplicated (A; older notation c.717dupA).
Protein change: p.Glu240fs; shifts the reading frame from glutamic acid 240.
Molecular consequence: frameshift variant.
Genome position (GRCh38, 1-based): chr1:77,926,745, A duplicated; the last of 7 consecutive A bases (chr1:77,926,739-77,926,745); duplicating any one gives the same sequence. VCF-style (leftmost placement, unchanged base first): chr1-77926738-C-CA. GRCh37 (hg19) VCF-style: chr1-78392423-C-CA.
Other names: c.525dup, p.Glu176fs (NM_001172309.2); short protein forms E240fs, E176fs.
Identifiers: ClinVar variation 2103973 (VCV002103973.4), dbSNP rs2523207851, ClinGen allele CA2580063266.

ClinVar aggregate classification (germline): Pathogenic (1 of 4 stars; one submission).

Conditions:
Hypertrophic cardiomyopathy 20. Identifiers: MedGen C3151267, MONDO:0013477, OMIM 613876.
Dilated cardiomyopathy 1CC (CMD1CC). Identifiers: Orphanet 154, MedGen C2751084, MONDO:0013147, OMIM 613122.

Submission:

Labcorp Genetics (formerly Invitae), Labcorp
Classification: Pathogenic for Dilated cardiomyopathy 1CC; Hypertrophic cardiomyopathy 20. Last evaluated: 2026-01-15. Review status: criteria provided, single submitter. Criteria: Invitae Variant Classification Sherloc (09022015). Collection method: clinical testing. Allele origin: germline.
Comment: This sequence change creates a premature translational stop signal (p.Glu240Argfs*13) in the NEXN gene. It is expected to result in an absent or disrupted protein product. Loss-of-function variants in NEXN are known to be pathogenic (PMID: 19881492, 32058062, 32814711, 32870709, 33949776, 38059363, 40680702). This variant is not present in population databases (gnomAD no frequency). This variant has not been reported in the literature in individuals affected with NEXN-related conditions. ClinVar contains an entry for this variant (Variation ID: 2103973). For these reasons, this variant has been classified as Pathogenic.

Literature cited by the submitters: PubMed 19881492; PubMed 32058062; PubMed 32814711; PubMed 32870709; PubMed 33949776; PubMed 38059363; PubMed 40680702.